The following is an entry in ClinVar:

ClinVar aggregate classification (germline): Pathogenic/Likely pathogenic. Review status: criteria provided, multiple submitters, no conflicts (2 of 4 stars). 3 submissions from 3 submitters: Pathogenic (1); Likely pathogenic (2). Last evaluated 2025-09-10.

Conditions:
Autosomal recessive limb-girdle muscular dystrophy type 2A (LGMDR1). Also called: Limb-girdle muscular dystrophy, type 2A; Calpainopathy; LEYDEN-MOEBIUS MUSCULAR DYSTROPHY; MUSCULAR DYSTROPHY, PELVOFEMORAL; Muscular dystrophy, limb-girdle, type 2A, Amish. Identifiers: Orphanet 267, MedGen C1869123, MONDO:0009675, OMIM 253600. Disease mechanism: loss of function.
Muscular dystrophy, limb-girdle, autosomal dominant 4. Also called: Calpain-3-related limb-girdle muscular dystrophy D4; MUSCULAR DYSTROPHY, LIMB-GIRDLE, TYPE 1I. Identifiers: Orphanet 565909, MedGen C4748295, MONDO:0029133, OMIM 618129.

Submissions (3):

Labcorp Genetics (formerly Invitae), Labcorp
Classification: Pathogenic for Autosomal recessive limb-girdle muscular dystrophy type 2A. Last evaluated: 2025-09-10. Review status: criteria provided, single submitter. Criteria: Invitae Variant Classification Sherloc (09022015). Collection method: clinical testing. Allele origin: germline.
Comment: This sequence change creates a premature translational stop signal (p.Pro78Leufs*49) in the CAPN3 gene. It is expected to result in an absent or disrupted protein product. Loss-of-function variants in CAPN3 are known to be pathogenic (PMID: 10330340, 15689361). This variant is not present in population databases (gnomAD no frequency). This variant has not been reported in the literature in individuals affected with CAPN3-related conditions. ClinVar contains an entry for this variant (Variation ID: 3241006). For these reasons, this variant has been classified as Pathogenic.

Athena Diagnostics
Classification: Likely pathogenic. Last evaluated: 2025-02-19. Review status: criteria provided, single submitter. Criteria: Athena Diagnostics Criteria. Collection method: clinical testing. Allele origin: unknown.
Comment: This variant is expected to result in the loss of a functional protein. This variant has not been reported in large, multi-ethnic general populations.

Baylor Genetics
Classification: Likely pathogenic for Muscular dystrophy, limb-girdle, autosomal dominant 4. Last evaluated: 2023-11-15. Review status: criteria provided, single submitter. Criteria: ACMG Guidelines, 2015. Collection method: clinical testing. Allele origin: unknown.

Literature cited by the submitters: PubMed 10330340 (cited by Labcorp Genetics (formerly Invitae), Labcorp); PubMed 15689361 (cited by Labcorp Genetics (formerly Invitae), Labcorp).

NM_000070.3(CAPN3):c.233del (p.Pro78fs)

Gene: CAPN3 (calpain 3; plus strand). Cytogenetic location: 15q15.1.
Variant type: Deletion.
Coding change: c.233del on transcript NM_000070.3 (MANE Select); coding-DNA position 233, one base deleted (C; older notation c.233delC).
Protein change: p.Pro78fs; shifts the reading frame from proline 78.
Molecular consequence: frameshift variant.
Genome position (GRCh38, 1-based): chr15:42,360,038, C deleted; the last of 3 consecutive C bases (chr15:42,360,036-42,360,038); deleting any one gives the same sequence. VCF-style (leftmost placement, unchanged base first): chr15-42360035-AC-A. GRCh37 (hg19) VCF-style: chr15-42652233-AC-A.
Other names: c.233del, p.Pro78fs (NM_024344.2, NM_173087.2); c.233del (NM_000070.2); short protein forms P78fs.
Identifiers: ClinVar variation 3241006 (VCV003241006.3), dbSNP rs2052598246.